The following is an entry in ClinVar:

NM_004304.5(ALK):c.3271G>A (p.Asp1091Asn)

Gene: ALK (ALK receptor tyrosine kinase; minus strand). Cytogenetic location: 2p23.2.
Variant type: single nucleotide variant.
Coding change: c.3271G>A on transcript NM_004304.5 (MANE Select); coding-DNA position 3271, G replaced by A.
Protein change: p.Asp1091Asn; replaces aspartic acid 1091 with asparagine.
Molecular consequence: missense variant.
Genome position (GRCh38, 1-based): chr2:29,223,430, C>T on the plus strand (G>A on the coding strand, the complement: ALK is on the minus strand). VCF-style: chr2-29223430-C-T. GRCh37 (hg19) VCF-style: chr2-29446296-C-T.
Other names: c.67G>A, p.Asp23Asn (NM_001353765.2); short protein forms D1091N, D23N.
Identifiers: ClinVar variation 218628 (VCV000218628.15), dbSNP rs864309584, ClinGen allele CA249188.

ClinVar aggregate classification (germline): Conflicting classifications of pathogenicity. Review status: criteria provided, conflicting classifications (1 of 4 stars). 5 submissions from 5 submitters: Uncertain significance (4); Likely benign (1). Last evaluated 2026-01-06.

Conditions:
Neuroblastoma, susceptibility to, 3. Also called: ALK-Related Neuroblastic Tumor Susceptibility. Identifiers: Orphanet 635, MedGen C2751681, MONDO:0013083, OMIM 613014.
Familial isolated pituitary adenoma. Identifiers: Orphanet 314777, MedGen C2676191, MONDO:0017824.
Hereditary cancer-predisposing syndrome. Also called: Tumor predisposition; Hereditary neoplastic syndrome; Hereditary Cancer Syndrome; Neoplastic Syndromes, Hereditary. Identifiers: Orphanet 140162, MedGen C0027672, MeSH D009386, MONDO:0015356.

Allele frequency attached by ClinVar (database versions not stated): gnomAD 0.00001; gnomAD exomes 0.00001; TOPMed 0.00001.
gnomAD v4.1: 23 of 1,614,034 alleles (0.0014%); highest among the groups gnomAD compares: South Asian, 0.0088%; no homozygotes.

Submissions (5):

Ambry Genetics
Classification: Likely benign for Hereditary cancer-predisposing syndrome. Last evaluated: 2026-01-06. Review status: criteria provided, single submitter. Criteria: Ambry Variant Classification Scheme 2023. Collection method: clinical testing. Allele origin: germline.

Labcorp Genetics (formerly Invitae), Labcorp
Classification: Uncertain significance for Neuroblastoma, susceptibility to, 3. Last evaluated: 2025-02-12. Review status: criteria provided, single submitter. Criteria: Invitae Variant Classification Sherloc (09022015). Collection method: clinical testing. Allele origin: germline.
Comment: This sequence change replaces aspartic acid, which is acidic and polar, with asparagine, which is neutral and polar, at codon 1091 of the ALK protein (p.Asp1091Asn). This variant is present in population databases (no rsID available, gnomAD 0.007%). This variant has not been reported in the literature in individuals affected with ALK-related conditions. ClinVar contains an entry for this variant (Variation ID: 218628). An algorithm developed to predict the effect of missense changes on protein structure and function (PolyPhen-2) suggests that this variant is likely to be tolerated. Experimental studies have shown that this missense change does not substantially affect ALK function (PMID: 23104988). In summary, the available evidence is currently insufficient to determine the role of this variant in disease. Therefore, it has been classified as a Variant of Uncertain Significance.

Fulgent Genetics
Classification: Uncertain significance for Neuroblastoma, susceptibility to, 3. Last evaluated: 2024-03-13. Review status: criteria provided, single submitter. Criteria: ACMG Guidelines, 2015. Collection method: clinical testing. Allele origin: germline.

St. Jude Molecular Pathology, St. Jude Children's Research Hospital
Classification: Uncertain significance for Familial isolated pituitary adenoma. Last evaluated: 2021-05-20. Review status: criteria provided, single submitter. Criteria: St. Jude Assertion Criteria 2020. Collection method: clinical testing. Allele origin: germline.

Genomic Diagnostic Laboratory, Division of Genomic Diagnostics, Children's Hospital of Philadelphia
Classification: Uncertain significance. Last evaluated: 2015-06-18. Review status: criteria provided, single submitter. Criteria: DGD Variant Analysis Guidelines. Collection method: clinical testing. Allele origin: unknown.

Literature cited by the submitters: PubMed 23104988 (cited by Labcorp Genetics (formerly Invitae), Labcorp).